The following is an entry in ClinVar:

ClinVar aggregate classification (germline): Pathogenic (1 of 4 stars; one submission).

Conditions:
Alstrom syndrome (ALMS). Identifiers: Orphanet 64, MedGen C0268425, MONDO:0008763, OMIM 203800.

Submission:

Labcorp Genetics (formerly Invitae), Labcorp
Classification: Pathogenic for Alstrom syndrome. Last evaluated: 2023-01-26. Review status: criteria provided, single submitter. Criteria: Invitae Variant Classification Sherloc (09022015). Collection method: clinical testing. Allele origin: germline.
Comment: For these reasons, this variant has been classified as Pathogenic. This variant has not been reported in the literature in individuals affected with ALMS1-related conditions. This variant is a gross deletion of the genomic region encompassing exon(s) 16 of the ALMS1 gene. This deletion is out-of-frame, and is expected to create a premature termination codon and result in an absent or disrupted protein product. Loss-of-function variants in ALMS1 are known to be pathogenic (PMID: 17594715).

Literature cited by the submitters: PubMed 17594715.

NC_000002.11:g.(?_73799379)_(73800561_?)del

Gene: ALMS1 (ALMS1 centrosome and basal body associated protein; plus strand). Cytogenetic location: 2p13.1.
Variant type: Deletion.
Identifiers: ClinVar variation 2426068 (VCV002426068.3).